The following is an entry in ClinVar:

ClinVar aggregate classification (germline): Benign/Likely benign. Review status: criteria provided, multiple submitters, no conflicts (2 of 4 stars). 4 submissions from 4 submitters: Benign (1); Likely benign (3). Last evaluated 2025-02-04.

Conditions:
Hereditary cancer-predisposing syndrome. Also called: Neoplastic Syndromes, Hereditary; Tumor predisposition; Hereditary Cancer Syndrome; Hereditary neoplastic syndrome. Identifiers: Orphanet 140162, MedGen C0027672, MeSH D009386, MONDO:0015356.
Hereditary nonpolyposis colorectal neoplasms. Identifiers: MedGen C0009405, MeSH D003123.
Lynch syndrome 4 (LYNCH4). Also called: Colorectal cancer, hereditary nonpolyposis, type 4; Hereditary non-polyposis colorectal cancer, type 4. Identifiers: Orphanet 144, MedGen C1838333, MONDO:0013699, OMIM 614337. Disease mechanism: loss of function.

Submissions (4):

Myriad Genetics, Inc.
Classification: Benign for Lynch syndrome 4. Last evaluated: 2025-02-04. Review status: criteria provided, single submitter. Criteria: Myriad Autosomal Dominant, Autosomal Recessive and X-Linked Classification Criteria (2023). Collection method: clinical testing. Allele origin: unknown.
Comment: This variant is considered benign. This variant is a silent/synonymous amino acid change and it is not expected to impact splicing.

Labcorp Genetics (formerly Invitae), Labcorp
Classification: Likely benign for Hereditary nonpolyposis colorectal neoplasms. Last evaluated: 2025-01-23. Review status: criteria provided, single submitter. Criteria: Invitae Variant Classification Sherloc (09022015). Collection method: clinical testing. Allele origin: germline.

Color Diagnostics, LLC DBA Color Health
Classification: Likely benign for Hereditary cancer-predisposing syndrome. Last evaluated: 2024-08-05. Review status: criteria provided, single submitter. Criteria: ACMG Guidelines, 2015. Collection method: clinical testing. Allele origin: germline.

Ambry Genetics
Classification: Likely benign for Hereditary cancer-predisposing syndrome. Last evaluated: 2015-06-09. Review status: criteria provided, single submitter. Criteria: Ambry Variant Classification Scheme 2023. Collection method: clinical testing. Allele origin: germline.

NM_000535.7(PMS2):c.2499C>T (p.His833=)

Gene: PMS2 (PMS1 homolog 2, mismatch repair system component; minus strand). Cytogenetic location: 7p22.1.
Variant type: single nucleotide variant.
Coding change: c.2499C>T on transcript NM_000535.7 (MANE Select); coding-DNA position 2499, C replaced by T.
Protein change: p.His833=; no amino-acid change (histidine 833 retained).
Molecular consequence: synonymous variant. On other transcripts: non-coding transcript variant (1).
Genome position (GRCh38, 1-based): chr7:5,973,489, G>A on the plus strand (C>T on the coding strand, the complement: PMS2 is on the minus strand). VCF-style: chr7-5973489-G-A. GRCh37 (hg19) VCF-style: chr7-6013120-G-A.
Other names: c.2094C>T, p.His698= (NM_001322003.2, NM_001322004.2, NM_001322005.2); c.2343C>T, p.His781= (NM_001322006.2); c.2181C>T, p.His727= (NM_001322007.2, NM_001322008.2); c.2127C>T, p.His709= (NM_001322009.2); c.1938C>T, p.His646= (NM_001322010.2); c.1566C>T, p.His522= (NM_001322011.2, NM_001322012.2); c.1926C>T, p.His642= (NM_001322013.2); c.2532C>T, p.His844= (NM_001322014.2); and 1 more.
Identifiers: ClinVar variation 232116 (VCV000232116.16), dbSNP rs876659564, ClinGen allele CA10578637.